The following is an entry in ClinVar:

ClinVar aggregate classification (germline): Uncertain significance (1 of 4 stars; one submission).

Allele frequency attached by ClinVar (database versions not stated): gnomAD exomes 0.00002 and 0.00008; gnomAD 0.00003 and 0.00004; TOPMed 0.00005; ExAC 0.00010.

Submission:

Labcorp Genetics (formerly Invitae), Labcorp
Classification: Uncertain significance. Last evaluated: 2024-02-26. Review status: criteria provided, single submitter. Criteria: Invitae Variant Classification Sherloc (09022015). Collection method: clinical testing. Allele origin: germline.
Comment: This sequence change replaces arginine, which is basic and polar, with glutamine, which is neutral and polar, at codon 513 of the KIF22 protein (p.Arg513Gln). This variant is present in population databases (rs762363186, gnomAD 0.03%). This variant has not been reported in the literature in individuals affected with KIF22-related conditions. ClinVar contains an entry for this variant (Variation ID: 1063803). Advanced modeling of protein sequence and biophysical properties (such as structural, functional, and spatial information, amino acid conservation, physicochemical variation, residue mobility, and thermodynamic stability) performed at Invitae indicates that this missense variant is not expected to disrupt KIF22 protein function with a negative predictive value of 80%. In summary, the available evidence is currently insufficient to determine the role of this variant in disease. Therefore, it has been classified as a Variant of Uncertain Significance.

NM_007317.3(KIF22):c.1538G>A (p.Arg513Gln)

Gene: KIF22 (kinesin family member 22; plus strand). Cytogenetic location: 16p11.2.
Variant type: single nucleotide variant.
Coding change: c.1538G>A on transcript NM_007317.3 (MANE Select); coding-DNA position 1538, G replaced by A.
Protein change: p.Arg513Gln; replaces arginine 513 with glutamine.
Molecular consequence: missense variant.
Genome position (GRCh38, 1-based): chr16:29,803,537, G>A. VCF-style: chr16-29803537-G-A. GRCh37 (hg19) VCF-style: chr16-29814858-G-A.
Other names: c.1334G>A, p.Arg445Gln (NM_001256269.2, NM_001256270.1); short protein forms R445Q, R513Q.
Identifiers: ClinVar variation 1063803 (VCV001063803.5), dbSNP rs762363186, ClinGen allele CA7993320.